The following is an entry in ClinVar:

NM_001430.5(EPAS1):c.2140T>A (p.Tyr714Asn)

Gene: EPAS1 (endothelial PAS domain protein 1; plus strand). Cytogenetic location: 2p21.
Variant type: single nucleotide variant.
Coding change: c.2140T>A on transcript NM_001430.5 (MANE Select); coding-DNA position 2140, T replaced by A.
Protein change: p.Tyr714Asn; replaces tyrosine 714 with asparagine.
Molecular consequence: missense variant.
Genome position (GRCh38, 1-based): chr2:46,381,690, T>A. VCF-style: chr2-46381690-T-A. GRCh37 (hg19) VCF-style: chr2-46608829-T-A.
Other names: short protein forms Y714N.
Identifiers: ClinVar variation 1786585 (VCV001786585.2), dbSNP rs991943295, ClinGen allele CA346705611.
Genomic context (GRCh38, chr2:46,381,690, plus strand): 5'-GTGCTGAGTCCGGCCATGGTAGCCCTCTCCAACAAGCTGAAGCTGAAGCGACAGCTGGAG[T>A]ATGAAGAGCAAGCCTTCCAGGACCTGAGCGGGGTGAGTCATCCCCACTGGCCACAGGGGC-3'
Protein context (NP_001421.2, residues 704-724): NKLKLKRQLE[Tyr714Asn]EEQAFQDLSG

ClinVar aggregate classification (germline): Uncertain significance (1 of 4 stars; one submission).

Conditions:
Inborn genetic diseases. Identifiers: MedGen C0950123, MeSH D030342.

Submission:

Ambry Genetics
Classification: Uncertain significance for Inborn genetic diseases. Last evaluated: 2021-07-09. Review status: criteria provided, single submitter. Criteria: Ambry Variant Classification Scheme 2023. Collection method: clinical testing. Allele origin: germline.
Comment: The p.Y714N variant (also known as c.2140T>A), located in coding exon 13 of the EPAS1 gene, results from a T to A substitution at nucleotide position 2140. The tyrosine at codon 714 is replaced by asparagine, an amino acid with dissimilar properties. This amino acid position is conserved. In addition, this alteration is predicted to be tolerated by in silico analysis. Since supporting evidence is limited at this time, the clinical significance of this alteration remains unclear.